The following is an entry in ClinVar:

ClinVar aggregate classification (germline): Uncertain significance. Review status: criteria provided, multiple submitters, no conflicts (2 of 4 stars). 3 submissions from 3 submitters: Uncertain significance (3). Last evaluated 2025-11-23.

Conditions:
Cardiovascular phenotype. Identifiers: MedGen CN230736.
Cholestanol storage disease (CTX). Also called: CEREBRAL CHOLESTERINOSIS; CTX: Cerebrotendinous xanthomatosis; Cerebrotendinous Xanthomatosis. Identifiers: Orphanet 909, MedGen C0238052, MONDO:0008948, OMIM 213700.

Allele frequency attached by ClinVar (database versions not stated): gnomAD exomes below 0.00001; TOPMed below 0.00001; ExAC 0.00001; gnomAD 0.00001.
gnomAD v4.1: 4 of 1,614,086 alleles (0.00025%); highest among the groups gnomAD compares: African/African-American, 0.0013%; no homozygotes.

Submissions (3):

Ambry Genetics
Classification: Uncertain significance for Cardiovascular phenotype. Last evaluated: 2025-11-23. Review status: criteria provided, single submitter. Criteria: Ambry Variant Classification Scheme 2023. Collection method: clinical testing. Allele origin: germline.

Mayo Clinic Laboratories, Mayo Clinic
Classification: Uncertain significance. Last evaluated: 2024-08-27. Review status: criteria provided, single submitter. Criteria: ACMG Guidelines, 2015. Collection method: clinical testing. Allele origin: germline. Observed: 1 variant allele.
Comment: BP4

Labcorp Genetics (formerly Invitae), Labcorp
Classification: Uncertain significance for Cholestanol storage disease. Last evaluated: 2022-07-30. Review status: criteria provided, single submitter. Criteria: Invitae Variant Classification Sherloc (09022015). Collection method: clinical testing. Allele origin: germline.
Comment: This sequence change replaces lysine, which is basic and polar, with arginine, which is basic and polar, at codon 284 of the CYP27A1 protein (p.Lys284Arg). This variant is present in population databases (rs748877283, gnomAD 0.0009%). This variant has not been reported in the literature in individuals affected with CYP27A1-related conditions. Advanced modeling of protein sequence and biophysical properties (such as structural, functional, and spatial information, amino acid conservation, physicochemical variation, residue mobility, and thermodynamic stability) performed at Invitae indicates that this missense variant is not expected to disrupt CYP27A1 protein function. In summary, the available evidence is currently insufficient to determine the role of this variant in disease. Therefore, it has been classified as a Variant of Uncertain Significance.

NM_000784.4(CYP27A1):c.851A>G (p.Lys284Arg)

Gene: CYP27A1 (cytochrome P450 family 27 subfamily A member 1; plus strand). Cytogenetic location: 2q35.
Variant type: single nucleotide variant.
Coding change: c.851A>G on transcript NM_000784.4 (MANE Select); coding-DNA position 851, A replaced by G.
Protein change: p.Lys284Arg; replaces lysine 284 with arginine.
Molecular consequence: missense variant.
Genome position (GRCh38, 1-based): chr2:218,812,930, A>G. VCF-style: chr2-218812930-A-G. GRCh37 (hg19) VCF-style: chr2-219677653-A-G.
Other names: p.Lys284Arg; c.851A>G (NM_000784.3); short protein forms K284R.
Identifiers: ClinVar variation 2167174 (VCV002167174.3), dbSNP rs748877283, ClinGen allele CA2112745.